The following is an entry in ClinVar:

ClinVar aggregate classification (germline): Conflicting classifications of pathogenicity. Review status: criteria provided, conflicting classifications (1 of 4 stars). 12 submissions from 10 submitters: Uncertain significance (3); Benign (1); Likely benign (5). 3 of the submissions do not count toward it. Last evaluated 2025-10-02.

Conditions:
Leprechaunism syndrome. Also called: Donohue syndrome; LEPRECHAUNISM. Identifiers: Orphanet 508, MedGen C0265344, MONDO:0009517, OMIM 246200.
Rabson-Mendenhall syndrome. Also called: MENDENHALL SYNDROME; Pineal Hyperplasia, Insulin-Resistant Diabetes Mellitus, and Somatic Abnormalities; Pineal hyperplasia AND diabetes mellitus syndrome. Identifiers: Orphanet 769, MedGen C0271695, MONDO:0009874, OMIM 262190.
Insulin-resistant diabetes mellitus AND acanthosis nigricans. Also called: DIABETES MELLITUS, INSULIN-RESISTANT, WITH ACANTHOSIS NIGRICANS, TYPE A; Insulin-resistance syndrome type A; type A insulin resistance; INSULIN RECEPTOR, DEFECT IN, WITH INSULIN-RESISTANT DIABETES MELLITUS AND ACANTHOSIS NIGRICANS; IRAN, TYPE A. Identifiers: Orphanet 2297, MedGen C0342278, MONDO:0012520, OMIM 610549.
INSR-related disorder.
Hyperinsulinism due to INSR deficiency. Also called: Hyperinsulinism due to glutamodehydrogenase deficiency. Identifiers: Orphanet 263458, MedGen C1864952, MONDO:0012381, OMIM 609968.

Allele frequency attached by ClinVar (database versions not stated): 1000 Genomes Project 0.00040; 1000 Genomes Project 30x 0.00047; gnomAD 0.00058 and 0.00066; TOPMed 0.00069; ESP Exome Variant Server 0.00100.
gnomAD v4.1: 1,278 of 1,614,158 alleles (0.079%); highest among the groups gnomAD compares: South Asian, 0.28%; 2 homozygotes.

Submissions (13):

Labcorp Genetics (formerly Invitae), Labcorp
Classification: Benign. Last evaluated: 2025-10-02. Review status: criteria provided, single submitter. Criteria: Invitae Variant Classification Sherloc (09022015). Collection method: clinical testing. Allele origin: germline.

CeGaT Center for Human Genetics Tuebingen
Classification: Likely benign. Last evaluated: 2024-12-01. Review status: criteria provided, single submitter. Criteria: CeGaT Center For Human Genetics Tuebingen Variant Classification Criteria Version 2. Collection method: clinical testing. Allele origin: germline. Affected: yes. Observed: 1 variant allele.
Comment: INSR: BP4, BP7

Blueprint Genetics
Classification: Likely benign. Last evaluated: 2024-11-21. Review status: criteria provided, single submitter. Criteria: ACMG Guidelines, 2015. Collection method: clinical testing. Allele origin: germline.

Eurofins Ntd Llc (ga)
Classification: Likely benign. Last evaluated: 2018-09-07. Review status: criteria provided, single submitter. Criteria: EGL ClinVar v180209 classification definitions. Collection method: clinical testing. Allele origin: germline. Observed: 1 variant allele, 1 heterozygote.

Illumina Laboratory Services, Illumina
Classification: Uncertain significance for Rabson-Mendenhall syndrome. Last evaluated: 2018-01-13. Review status: criteria provided, single submitter. Criteria: ICSL Variant Classification Criteria 13 December 2019. Collection method: clinical testing. Allele origin: germline.

Illumina Laboratory Services, Illumina
Classification: Uncertain significance for Insulin-resistant diabetes mellitus AND acanthosis nigricans. Last evaluated: 2018-01-13. Review status: criteria provided, single submitter. Criteria: ICSL Variant Classification Criteria 13 December 2019. Collection method: clinical testing. Allele origin: germline.

Illumina Laboratory Services, Illumina
Classification: Uncertain significance for Leprechaunism syndrome. Last evaluated: 2018-01-13. Review status: criteria provided, single submitter. Criteria: ICSL Variant Classification Criteria 13 December 2019. Collection method: clinical testing. Allele origin: germline.

Genetic Services Laboratory, University of Chicago
Classification: Likely benign. Last evaluated: 2015-12-08. Review status: criteria provided, single submitter. Criteria: ACMG Guidelines, 2015. Collection method: clinical testing. Allele origin: germline. Affected: no.

Clinical Genomics, Uppaluri K&H Personalized Medicine Clinic
Classification: Likely benign for Hyperinsulinism due to INSR deficiency. Review status: criteria provided, single submitter. Criteria: K And H Uppaluri Personalized Medicine Clinic Variant Classification And Assertion Criteria Updated V 2. Collection method: research. Allele origin: unknown. Inheritance: Autosomal dominant inheritance.
Comment: Potent mutations in INSR gene can lead to insulin resistance, which presents as impaired glucose tolerance, early onset type 2 diabetes, post prandial hyperglycemia and increased insulin requirement in type 1 diabetes. These mutations in INSR gene can also predispose to coronary artery disease, metabolic syndrome, polycystic ovarian disease and non alcoholic fatty liver disease.However, the role of this particular variantrs142654992 with early onset diabetes mellitus is yet to be ascertained.

PreventionGenetics, part of Exact Sciences
Classification: Likely benign for INSR-related condition. Last evaluated: 2024-09-12. Review status: no assertion criteria provided. Collection method: clinical testing. Allele origin: germline. Not counted in ClinVar's aggregate classification.
Comment: This variant is classified as likely benign based on ACMG/AMP sequence variant interpretation guidelines (Richards et al. 2015 PMID: 25741868, with internal and published modifications).

Clinical Genetics DNA and cytogenetics Diagnostics Lab, Erasmus MC, Erasmus Medical Center
Classification: Likely benign. Review status: no assertion criteria provided. Collection method: clinical testing. Allele origin: germline. Affected: yes. Study: VKGL Data-share Consensus. Not counted in ClinVar's aggregate classification.

Dr. Peter K. Rogan Lab, Western University
No classification provided (evidence only). Condition: Nonpapillary renal cell carcinoma. Review status: no classification provided. Collection method: in vitro. Allele origin: not applicable. Functional consequence: retained intron. Not counted in ClinVar's aggregate classification.

Laboratory of Diagnostic Genome Analysis, Leiden University Medical Center (LUMC)
Classification: Likely benign. Review status: no assertion criteria provided. Collection method: clinical testing. Allele origin: germline. Affected: yes. Study: VKGL Data-share Consensus. Not counted in ClinVar's aggregate classification.

Literature cited by the submitters: PubMed 35000900 (cited by Clinical Genomics, Uppaluri K&H Personalized Medicine Clinic); PubMed 31989990 (cited by Clinical Genomics, Uppaluri K&H Personalized Medicine Clinic); PubMed 23705494 (cited by Clinical Genomics, Uppaluri K&H Personalized Medicine Clinic).

NM_000208.4(INSR):c.2295C>T (p.Gly765=)

Gene: INSR (insulin receptor; minus strand). Cytogenetic location: 19p13.2.
Variant type: single nucleotide variant.
Coding change: c.2295C>T on transcript NM_000208.4 (MANE Select); coding-DNA position 2295, C replaced by T.
Protein change: p.Gly765=; no amino-acid change (glycine 765 retained).
Molecular consequence: synonymous variant.
Genome position (GRCh38, 1-based): chr19:7,143,063, G>A on the plus strand (C>T on the coding strand, the complement: INSR is on the minus strand). VCF-style: chr19-7143063-G-A. GRCh37 (hg19) VCF-style: chr19-7143074-G-A.
Other names: c.2259C>T, p.Gly753= (NM_001079817.3).
Identifiers: ClinVar variation 330462 (VCV000330462.40), dbSNP rs142654992, ClinGen allele CA9135584.